The following is an entry in ClinVar:

ClinVar aggregate classification (germline): Uncertain significance. Review status: criteria provided, single submitter (1 of 4 stars). 2 submissions from 2 submitters: Uncertain significance (1). 1 of the submissions does not count toward it. Last evaluated 2025-11-13.

Conditions:
Cognitive impairment - coarse facies - heart defects - obesity - pulmonary involvement - short stature - skeletal dysplasia syndrome. Also called: AFF4-Related CHOPS Syndrome; COGNITIVE IMPAIRMENT, COARSE FACIES, HEART DEFECTS, OBESITY, PULMONARY INVOLVEMENT, SHORT STATURE, AND SKELETAL DYSPLASIA; Chops syndrome. Identifiers: Orphanet 444077, MedGen C4085597, MONDO:0014609, OMIM 616368.
AFF4-related disorder. Also called: AFF4-related condition.

gnomAD v4.1: 16 of 1,613,996 alleles (0.00099%); highest among the groups gnomAD compares: Admixed American, 0.013%; no homozygotes.

Submissions (2):

Labcorp Genetics (formerly Invitae), Labcorp
Classification: Uncertain significance for Cognitive impairment - coarse facies - heart defects - obesity - pulmonary involvement - short stature - skeletal dysplasia syndrome. Last evaluated: 2025-11-13. Review status: criteria provided, single submitter. Criteria: Invitae Variant Classification Sherloc (09022015). Collection method: clinical testing. Allele origin: germline.
Comment: This sequence change replaces arginine, which is basic and polar, with tryptophan, which is neutral and slightly polar, at codon 123 of the AFF4 protein (p.Arg123Trp). This variant is present in population databases (no rsID available, gnomAD 0.009%). This variant has not been reported in the literature in individuals affected with AFF4-related conditions. ClinVar contains an entry for this variant (Variation ID: 3349986). Invitae Evidence Modeling of protein sequence and biophysical properties (such as structural, functional, and spatial information, amino acid conservation, physicochemical variation, residue mobility, and thermodynamic stability) indicates that this missense variant is not expected to disrupt AFF4 protein function with a negative predictive value of 80%. In summary, the available evidence is currently insufficient to determine the role of this variant in disease. Therefore, it has been classified as a Variant of Uncertain Significance.

PreventionGenetics, part of Exact Sciences
Classification: Uncertain significance for AFF4-related condition. Last evaluated: 2024-03-06. Review status: no assertion criteria provided. Collection method: clinical testing. Allele origin: germline. Not counted in ClinVar's aggregate classification.
Comment: The AFF4 c.367C>T variant is predicted to result in the amino acid substitution p.Arg123Trp. To our knowledge, this variant has not been reported in the literature. This variant is reported in 0.0085% of alleles in individuals of Latino descent in gnomAD. At this time, the clinical significance of this variant is uncertain due to the absence of conclusive functional and genetic evidence.

NM_014423.4(AFF4):c.367C>T (p.Arg123Trp)

Gene: AFF4 (ALF transcription elongation factor 4; minus strand). Cytogenetic location: 5q31.1.
Variant type: single nucleotide variant.
Coding change: c.367C>T on transcript NM_014423.4 (MANE Select); coding-DNA position 367, C replaced by T.
Protein change: p.Arg123Trp; replaces arginine 123 with tryptophan.
Molecular consequence: missense variant.
Genome position (GRCh38, 1-based): chr5:132,934,698, G>A on the plus strand (C>T on the coding strand, the complement: AFF4 is on the minus strand). VCF-style: chr5-132934698-G-A. GRCh37 (hg19) VCF-style: chr5-132270390-G-A.
Other names: short protein forms R123W.
Identifiers: ClinVar variation 3349986 (VCV003349986.2).